The following is an entry in ClinVar:

NM_020937.4(FANCM):c.3425C>T (p.Thr1142Ile)

Gene: FANCM (FA complementation group M; plus strand). Cytogenetic location: 14q21.2.
Variant type: single nucleotide variant.
Coding change: c.3425C>T on transcript NM_020937.4 (MANE Select); coding-DNA position 3425, C replaced by T.
Protein change: p.Thr1142Ile; replaces threonine 1142 with isoleucine.
Molecular consequence: missense variant.
Genome position (GRCh38, 1-based): chr14:45,176,179, C>T. VCF-style: chr14-45176179-C-T. GRCh37 (hg19) VCF-style: chr14-45645382-C-T.
Other names: c.3347C>T, p.Thr1116Ile (NM_001308133.2); short protein forms T1116I, T1142I.
Identifiers: ClinVar variation 4254596 (VCV004254596.1).

ClinVar aggregate classification (germline): Uncertain significance (1 of 4 stars; one submission).

Conditions:
Inborn genetic diseases. Identifiers: MedGen C0950123, MeSH D030342.

gnomAD v4.1: 3 of 1,614,068 alleles (0.00019%); highest among the groups gnomAD compares: East Asian, 0.0067%; no homozygotes.

Submission:

Ambry Genetics
Classification: Uncertain significance for Inborn genetic diseases. Last evaluated: 2025-07-15. Review status: criteria provided, single submitter. Criteria: Ambry Variant Classification Scheme 2023. Collection method: clinical testing. Allele origin: germline.
Comment: The p.T1142I variant (also known as c.3425C>T), located in coding exon 14 of the FANCM gene, results from a C to T substitution at nucleotide position 3425. The threonine at codon 1142 is replaced by isoleucine, an amino acid with similar properties. This amino acid position is conserved. In addition, this alteration is predicted to be tolerated by in silico analysis. Based on the available evidence, the clinical significance of this variant remains unclear.